The following is an entry in ClinVar:

NM_000083.3(CLCN1):c.1167-10T>C

Gene: CLCN1 (chloride voltage-gated channel 1; plus strand). Cytogenetic location: 7q34.
Variant type: single nucleotide variant.
Coding change: c.1167-10T>C on transcript NM_000083.3 (MANE Select); 10 bases into the intron before coding-DNA position 1167, T replaced by C.
Molecular consequence: intron variant.
Genome position (GRCh38, 1-based): chr7:143,332,409, T>C. VCF-style: chr7-143332409-T-C. GRCh37 (hg19) VCF-style: chr7-143029502-T-C.
Identifiers: ClinVar variation 462828 (VCV000462828.62), dbSNP rs543120965, ClinGen allele CA4537269.

ClinVar aggregate classification (germline): Pathogenic/Likely pathogenic. Review status: criteria provided, multiple submitters, no conflicts (2 of 4 stars). 13 submissions from 13 submitters: Pathogenic (7); Likely pathogenic (5). 1 of the submissions does not count toward it. Last evaluated 2026-02-27.

Conditions:
Congenital myotonia, autosomal recessive form. Also called: myotonia congenita, autosomal recessive; Becker Generalized Myotonia; BECKER DISEASE. Identifiers: Orphanet 614, MedGen C0751360, MONDO:0009715, OMIM 255700.
Congenital myotonia, autosomal dominant form (THD). Also called: Myotonia congenita autosomal dominant; THOMSEN DISEASE. Identifiers: Orphanet 614, MedGen C2936781, MONDO:0008055, OMIM 160800.
CLCN1-related disorder. Also called: CLCN1-related condition.

Allele frequency attached by ClinVar (database versions not stated): gnomAD exomes 0.00001 and 0.00002; TOPMed 0.00001; ExAC 0.00002; gnomAD 0.00003 and 0.00004.
gnomAD v4.1: 35 of 1,612,014 alleles (0.0022%); highest among the groups gnomAD compares: Non-Finnish European, 0.0027%; no homozygotes.

Submissions (13):

PreventionGenetics, part of Exact Sciences
Classification: Pathogenic for CLCN1-related condition. Last evaluated: 2026-02-27. Review status: criteria provided, single submitter. Criteria: ACMG Guidelines, 2015. Collection method: clinical testing. Allele origin: germline.
Comment: The CLCN1 c.1167-10T>C variant is predicted to interfere with splicing. This variant has been reported with a second pathogenic variant in many individuals with myotonia and segregates with disease (see for example: Trip et al. 2008. PubMed ID: 18337730; Suetterlin et al. 2022. PubMed ID: 34529042; Raja Rayan et al. 2012. PubMed ID: 22649220). This variant is reported in 0.0031% of alleles in individuals of European (non-Finnish) descent in gnomAD. This variant is interpreted as pathogenic for autosomal recessive CLCN1-related disorders.

Labcorp Genetics (formerly Invitae), Labcorp
Classification: Pathogenic for Congenital myotonia, autosomal recessive form; Congenital myotonia, autosomal dominant form. Last evaluated: 2025-12-05. Review status: criteria provided, single submitter. Criteria: Invitae Variant Classification Sherloc (09022015). Collection method: clinical testing. Allele origin: germline.
Comment: This sequence change falls in intron 10 of the CLCN1 gene. It does not directly change the encoded amino acid sequence of the CLCN1 protein. This variant is present in population databases (rs543120965, gnomAD 0.003%). This variant has been observed in individual(s) with autosomal recessive myotonia congenita (PMID: 18337730, 22094069, 22649220, 23739125, 29606556). In at least one individual the data is consistent with being in trans (on the opposite chromosome) from a pathogenic variant. It has also been observed to segregate with disease in related individuals. ClinVar contains an entry for this variant (Variation ID: 462828). Algorithms developed to predict the effect of sequence changes on RNA splicing suggest that this variant may disrupt the consensus splice site. For these reasons, this variant has been classified as Pathogenic.

Revvity Omics, Revvity
Classification: Likely pathogenic. Last evaluated: 2025-02-27. Review status: criteria provided, single submitter. Criteria: ACMG Guidelines, 2015. Collection method: clinical testing. Allele origin: germline.

3billion
Classification: Likely pathogenic for Congenital myotonia, autosomal recessive form. Last evaluated: 2024-09-11. Review status: criteria provided, single submitter. Criteria: ACMG Guidelines, 2015. Collection method: clinical testing. Allele origin: germline. Affected: yes.
Comment: The variant is observed at an extremely low frequency in the gnomAD v4.0.0 dataset (total allele frequency: 0.002%). Predicted Consequence/Location: Intron variant In silico tools predict the variant to alter splicing and produce an abnormal transcript [SpliceAI: 0.27 (>=0.2, moderate evidence for spliceogenicity)]. The variant has been reported to be in trans with a pathogenic variant as either compound heterozygous or homozygous in at least one similarly affected unrelated individual (PMID: 18337730). The variant has been reported at least twice as pathogenic with clinical assertions and evidence for the classification (ClinVar ID: VCV000462828 /PMID: 18337730). Therefore, this variant is classified as Likely pathogenic according to the recommendation of ACMG/AMP guideline.

Genomic Medicine Center of Excellence, King Faisal Specialist Hospital and Research Centre
Classification: Likely pathogenic for Congenital myotonia, autosomal dominant form. Last evaluated: 2024-04-04. Review status: criteria provided, single submitter. Criteria: ACMG Guidelines, 2015. Collection method: clinical testing. Allele origin: germline.

Athena Diagnostics
Classification: Pathogenic. Last evaluated: 2024-03-29. Review status: criteria provided, single submitter. Criteria: Athena Diagnostics Criteria. Collection method: clinical testing. Allele origin: unknown.
Comment: The frequency of this variant in the general population is consistent with pathogenicity. This variant is statistically more frequent in affected individuals than in the general population and/or healthy controls. This variant has been identified in at least one family with autosomal recessive myotonia congenita. In multiple individuals, this variant has been seen with a single recessive pathogenic variant in the same gene, suggesting this variant may also be pathogenic.

Kariminejad - Najmabadi Pathology & Genetics Center
Classification: Pathogenic for Congenital myotonia, autosomal dominant form. Last evaluated: 2024-02-26. Review status: criteria provided, single submitter. Criteria: ACMG Guidelines, 2015. Collection method: clinical testing. Allele origin: germline. Inheritance: Autosomal dominant inheritance. Affected: yes.
Comment: PP5_Very strong,PM2_Moderate,PM3_Very strong,BP4_Supporting

Laboratory of Medical Genetics, National & Kapodistrian University of Athens
Classification: Pathogenic for Congenital myotonia, autosomal recessive form. Last evaluated: 2024-02-20. Review status: criteria provided, single submitter. Criteria: ACMG Guidelines, 2015. Collection method: clinical testing. Allele origin: germline. Affected: yes.

GeneDx
Classification: Pathogenic. Last evaluated: 2023-09-11. Review status: criteria provided, single submitter. Criteria: GeneDx Variant Classification Process June 2021. Collection method: clinical testing. Allele origin: germline. Affected: yes.
Comment: Not observed at significant frequency in large population cohorts (gnomAD); In silico analysis is inconclusive as to whether the variant alters gene splicing. In the absence of RNA/functional studies, the actual effect of this sequence change is unknown.; This variant is associated with the following publications: (PMID: 31589614, 34426522, 32140910, 32117024, 32593548, 18337730, 32670189, 23739125, 23810313, 22649220, 22094069, 34529042, 29606556, 28427807)

Women's Health and Genetics/Laboratory Corporation of America, LabCorp
Classification: Pathogenic for Congenital myotonia, autosomal recessive form. Last evaluated: 2023-05-25. Review status: criteria provided, single submitter. Criteria: LabCorp Variant Classification Summary - May 2015. Collection method: clinical testing. Allele origin: germline.
Comment: Variant summary: CLCN1 c.1167-10T>C alters a conserved nucleotide located close to a canonical splice site and therefore could affect mRNA splicing, leading to a significantly altered protein sequence. Several computational tools predict a significant impact on normal splicing: Four predict the variant weakens a canonical 3' acceptor site. The variant allele was found at a frequency of 1.2e-05 in 251448 control chromosomes (gnomAD). c.1167-10T>C has been reported in the literature in multiple bi-allelic individuals affected with Myotonia congenita (examples: Trip_2008, Mazon_2012, Borklu-Yucel_2020, Orsini_2020). These data indicate that the variant is very likely to be associated with disease. The following publications have been ascertained in the context of this evaluation (PMID: 32140910, 22094069, 18337730, 32117024). Five clinical diagnostic laboratories have submitted clinical-significance assessments for this variant to ClinVar after 2014 and all classified the variant as pathogenic/likely pathogenic. Based on the evidence outlined above, the variant was classified as pathogenic.

CeGaT Center for Human Genetics Tuebingen
Classification: Likely pathogenic. Last evaluated: 2019-07-01. Review status: criteria provided, single submitter. Criteria: CeGaT Center For Human Genetics Tuebingen Variant Classification Criteria Version 2. Collection method: clinical testing. Allele origin: germline. Affected: yes. Observed: 1 variant allele.

Mendelics
Classification: Likely pathogenic for Congenital myotonia, autosomal recessive form. Last evaluated: 2019-05-28. Review status: criteria provided, single submitter. Criteria: Mendelics Assertion Criteria 2017. Collection method: clinical testing. Allele origin: unknown.

Clinical Genetics Laboratory, University Hospital Schleswig-Holstein
Classification: Pathogenic for Congenital myotonia, autosomal recessive form; Congenital myotonia, autosomal dominant form. Last evaluated: 2023-05-16. Review status: no assertion criteria provided. Collection method: clinical testing. Allele origin: germline. Affected: yes. Not counted in ClinVar's aggregate classification.

Literature cited by the submitters: PubMed 18337730 (cited by 4 submitters); PubMed 22094069 (cited by 3 submitters); PubMed 22649220 (cited by Labcorp Genetics (formerly Invitae), Labcorp and Athena Diagnostics); PubMed 23739125 (cited by Labcorp Genetics (formerly Invitae), Labcorp and Athena Diagnostics); PubMed 29606556 (cited by Labcorp Genetics (formerly Invitae), Labcorp and Athena Diagnostics); PubMed 28427807 (cited by Athena Diagnostics); PubMed 32140910 (cited by Athena Diagnostics and Women's Health and Genetics/Laboratory Corporation of America, LabCorp); PubMed 32117024 (cited by Athena Diagnostics and Women's Health and Genetics/Laboratory Corporation of America, LabCorp); PubMed 32593548 (cited by Athena Diagnostics); PubMed 32670189 (cited by Athena Diagnostics); PubMed 34529042 (cited by Athena Diagnostics); PubMed 23810313 (cited by Athena Diagnostics).